The following is an entry in ClinVar:

ClinVar aggregate classification (germline): Likely benign. Review status: criteria provided, multiple submitters, no conflicts (2 of 4 stars). 2 submissions from 2 submitters: Likely benign (2). Last evaluated 2024-06-14.

Conditions:
Ataxia-telangiectasia syndrome (AT). Also called: LOUIS-BAR SYNDROME; Cerebello-oculocutaneous telangiectasia; Immunodeficiency with ataxia telangiectasia; Ataxia telangiectasia (A-T); Ataxia-telangiectasia, complementation group D; AT, COMPLEMENTATION GROUP C. Identifiers: Orphanet 100, MedGen C0004135, MONDO:0008840, OMIM 208900.
Familial cancer of breast. Also called: BREAST CANCER, FAMILIAL; Hereditary breast cancer; hereditary breast carcinoma. Identifiers: Orphanet 227535, MedGen C0346153, MONDO:0016419, OMIM 114480. Disease mechanism: loss of function.

Submissions (2):

Myriad Genetics, Inc.
Classification: Likely benign for Familial cancer of breast. Last evaluated: 2024-06-14. Review status: criteria provided, single submitter. Criteria: Myriad Autosomal Dominant, Autosomal Recessive and X-Linked Classification Criteria (2023). Collection method: clinical testing. Allele origin: unknown.
Comment: This variant is considered likely benign. This variant is intronic and is not expected to impact mRNA splicing.

Labcorp Genetics (formerly Invitae), Labcorp
Classification: Likely benign for Ataxia-telangiectasia syndrome. Last evaluated: 2023-07-26. Review status: criteria provided, single submitter. Criteria: Invitae Variant Classification Sherloc (09022015). Collection method: clinical testing. Allele origin: germline.

NM_000051.4(ATM):c.7630-16_7630-14del

Genes: ATM (ATM serine/threonine kinase; plus strand), C11orf65 (chromosome 11 open reading frame 65; minus strand). Cytogenetic location: 11q22.3.
Variant type: Deletion.
Coding change: c.7630-16_7630-14del on transcript NM_000051.4 (MANE Select); 16 bases into the intron before coding-DNA position 7630 through 14 bases into the intron before coding-DNA position 7630, 3 bases deleted (AGT; older notation c.7630-16_7630-14delAGT).
Molecular consequence: intron variant.
Genome position (GRCh38, 1-based): chr11:108,331,863-108,331,865, AGT deleted; deleting any 3 consecutive bases within chr11:108,331,862-108,331,865 gives the same sequence; the c. name uses the placement nearest the transcript's 3' end. VCF-style (leftmost placement, unchanged base first): chr11-108331861-ATAG-A. GRCh37 (hg19) VCF-style: chr11-108202588-ATAG-A.
Other names: c.7630-16_7630-14del (NM_001351834.2); c.641-22793_641-22791del (NM_001330368.2); c.*38+3356_*38+3358del (NM_001351110.2).
Identifiers: ClinVar variation 2741726 (VCV002741726.4), dbSNP rs2086282813, ClinGen allele CA1998810191.